The following is an entry in ClinVar:

NM_001042492.3(NF1):c.3871-10A>G

Gene: NF1 (neurofibromin 1; plus strand). Cytogenetic location: 17q11.2.
Variant type: single nucleotide variant.
Coding change: c.3871-10A>G on transcript NM_001042492.3 (MANE Select); 10 bases into the intron before coding-DNA position 3871, A replaced by G.
Molecular consequence: intron variant.
Genome position (GRCh38, 1-based): chr17:31,235,908, A>G. VCF-style: chr17-31235908-A-G. GRCh37 (hg19) VCF-style: chr17-29562926-A-G.
Other names: c.3871-10A>G (NM_000267.4).
Identifiers: ClinVar variation 750643 (VCV000750643.8), dbSNP rs1597722878, ClinGen allele CA915949947.

ClinVar aggregate classification (germline): Likely benign. Review status: criteria provided, multiple submitters, no conflicts (2 of 4 stars). 2 submissions from 2 submitters: Likely benign (2). Last evaluated 2026-09-22.

Conditions:
Neurofibromatosis, type 1 (NF1). Also called: Neurofibromatosis, type I; Peripheral type neurofibromatosis; VON RECKLINGHAUSEN DISEASE; NEUROFIBROMATOSIS, TYPE I, SOMATIC. Identifiers: Orphanet 636, MedGen C0027831, MONDO:0018975, OMIM 162200. Disease mechanism: loss of function.

Submissions (2):

Myriad Genetics, Inc.
Classification: Likely benign for Neurofibromatosis, type 1. Last evaluated: 2026-09-22. Review status: criteria provided, single submitter. Criteria: Myriad Autosomal Dominant, Autosomal Recessive and X-Linked Classification Criteria (2023). Collection method: clinical testing. Allele origin: unknown.
Comment: This variant is considered likely benign. This variant is intronic and is not expected to impact mRNA splicing.

Labcorp Genetics (formerly Invitae), Labcorp
Classification: Likely benign for Neurofibromatosis, type 1. Last evaluated: 2024-04-30. Review status: criteria provided, single submitter. Criteria: Invitae Variant Classification Sherloc (09022015). Collection method: clinical testing. Allele origin: germline.